The following is an entry in ClinVar:

NM_006907.4(PYCR1):c.540+1G>A

Gene: PYCR1 (pyrroline-5-carboxylate reductase 1; minus strand). Cytogenetic location: 17q25.3.
Variant type: single nucleotide variant.
Coding change: c.540+1G>A on transcript NM_006907.4 (MANE Select); the canonical splice donor site of the intron after coding-DNA position 540, G replaced by A.
Molecular consequence: splice donor variant.
Genome position (GRCh38, 1-based): chr17:81,934,925, C>T on the plus strand (G>A on the coding strand, the complement: PYCR1 is on the minus strand). VCF-style: chr17-81934925-C-T. GRCh37 (hg19) VCF-style: chr17-79892801-C-T.
Other names: NC_000017.10:g.79892801C>T; c.540+1G>A (NM_001282279.2, NM_001330523.2, NM_001282280.2 and 2 more transcripts); c.621+1G>A (NM_001282281.2).
Identifiers: ClinVar variation 694712 (VCV000694712.43), dbSNP rs752297179, ClinGen allele CA501020.
Genomic context (GRCh38, chr17:81,934,925, plus strand): 5'-CAGATGTGCCCGGTGGTCCCGGGAAGTGCCCGCCGCCGCCAGCTTCCCCCGCAGTCCTTA[C>T]GTAGGCGGGGCCGCTGCCACTGAGCCCCGTGACGGCATCAATCAGGTCCTCTTCCACCTC-3'

ClinVar aggregate classification (germline): Pathogenic/Likely pathogenic. Review status: criteria provided, multiple submitters, no conflicts (2 of 4 stars). 9 submissions from 9 submitters: Pathogenic (6); Likely pathogenic (1). 2 of the submissions do not count toward it. Last evaluated 2026-01-29.

Conditions:
PYCR1-related disorder. Also called: PYCR1-related condition.
Wiedemann-Rautenstrauch-like progeroid syndrome.
Autosomal recessive cutis laxa type 2B (ARCL2B). Also called: CUTIS LAXA, AUTOSOMAL RECESSIVE, TYPE IIB; CUTIS LAXA WITH PROGEROID FEATURES. Identifiers: Orphanet 357064, MedGen C2751987, MONDO:0013051, OMIM 612940. Disease mechanism: loss of function.
PYCR1-related de Barsy syndrome. Also called: CUTIS LAXA, AUTOSOMAL RECESSIVE, TYPE IIIB; DE BARSY SYNDROME B. Identifiers: Orphanet 293633, Orphanet 2962, MedGen C3280799, MONDO:0013755, OMIM 614438.

Allele frequency attached by ClinVar (database versions not stated): gnomAD exomes 0.00002; ExAC 0.00003.
gnomAD v4.1: 21 of 1,609,552 alleles (0.0013%); highest among the groups gnomAD compares: South Asian, 0.0077%; no homozygotes.

Submissions (10):

PreventionGenetics, part of Exact Sciences
Classification: Likely pathogenic for PYCR1-related condition. Last evaluated: 2026-01-29. Review status: criteria provided, single submitter. Criteria: ACMG Guidelines, 2015. Collection method: clinical testing. Allele origin: germline.
Comment: The PYCR1 c.540+1G>A variant is predicted to disrupt the GT donor site and interfere with normal splicing. This variant has been reported in the homozygous state in multiple individuals with autosomal recessive cutis laxa (Reversade et al. 2009. PubMed ID: 19648921; Yildirim et al. 2010. PubMed ID: 21204221) or with features consistent with autosomal recessive cutis laxa (Monies et al. 2019. PubMed ID: 31130284). This variant was suspected to have been found in the compound heterozygous state, but maternal testing could not be completed to confirm phasing of variants (Lessel et al. 2018. PubMed ID: 30450527). This variant is reported in 0.0098% of alleles in individuals of South Asian descent in gnomAD. Variants that disrupt the consensus splice donor site in PYCR1 are expected to be pathogenic. This variant is interpreted as likely pathogenic.

Labcorp Genetics (formerly Invitae), Labcorp
Classification: Pathogenic. Last evaluated: 2025-12-15. Review status: criteria provided, single submitter. Criteria: Invitae Variant Classification Sherloc (09022015). Collection method: clinical testing. Allele origin: germline.
Comment: This sequence change affects a donor splice site in intron 4 of the PYCR1 gene. It is expected to disrupt RNA splicing. Variants that disrupt the donor or acceptor splice site typically lead to a loss of protein function (PMID: 16199547), and loss-of-function variants in PYCR1 are known to be pathogenic (PMID: 19648921). This variant is present in population databases (rs752297179, gnomAD 0.01%). Disruption of this splice site has been observed in individuals with cutis laxa (PMID: 19648921). ClinVar contains an entry for this variant (Variation ID: 694712). Algorithms developed to predict the effect of sequence changes on RNA splicing suggest that this variant may disrupt the consensus splice site. For these reasons, this variant has been classified as Pathogenic.

Blueprint Genetics
Classification: Pathogenic for PYCR1-related disorders. Last evaluated: 2022-12-23. Review status: criteria provided, single submitter. Criteria: ACMG Guidelines, 2015. Collection method: clinical testing. Allele origin: germline. Affected: yes. Observed: 5 variant alleles.

CeGaT Center for Human Genetics Tuebingen
Classification: Pathogenic. Last evaluated: 2021-07-01. Review status: criteria provided, single submitter. Criteria: CeGaT Center For Human Genetics Tuebingen Variant Classification Criteria Version 2. Collection method: clinical testing. Allele origin: germline. Affected: yes. Observed: 3 variant alleles.

CENTOGENE GmbH and LLC - Guiding Precision Medicine
Classification: Pathogenic for Autosomal recessive cutis laxa type 2B. Review status: criteria provided, single submitter. Criteria: ACMG Guidelines, 2015. Collection method: clinical testing. Allele origin: germline. Affected: yes.

Institute for Genomic Statistics and Bioinformatics, University Hospital Bonn
Classification: Pathogenic for Autosomal recessive cutis laxa type 2B. Review status: criteria provided, single submitter. Criteria: ACMG Guidelines, 2015. Collection method: clinical testing. Allele origin: unknown. Affected: yes. Observed: 1 variant allele.

Neuberg Centre For Genomic Medicine, NCGM
Classification: Pathogenic for PYCR1-related de Barsy syndrome. Review status: criteria provided, single submitter. Criteria: ACMG Guidelines, 2015. Collection method: clinical testing. Allele origin: germline. Inheritance: Autosomal recessive inheritance. Affected: yes.
Comment: The invariant splice donor variant c.540+1G>A in PYCR1 gene has been reported previously, with autosomal recessive inheritance, in multiple individuals affected with PYCR1-related cutis laxa (Dimopoulou et al. 2013; Lessel et al. 2018). The c.540+1G>A variant is reported with an allele frequency of 0.002% in the gnomAD exomes database and is novel (not in any individuals) in 1000 Genomes database. This variant has been reported to the ClinVar database as Pathogenic (multiple submissions). Loss of function variants have been previously reported to be disease causing. For these reasons, this variant has been classified as Pathogenic.

Genetics and Genomic Medicine Centre, NeuroGen Healthcare, NeuroGen Healthcare
Classification: Pathogenic. Last evaluated: 2022-05-20. Review status: no assertion criteria provided. Collection method: clinical testing. Allele origin: unknown. Affected: yes. Not counted in ClinVar's aggregate classification.

Dr. Peter K. Rogan Lab, Western University
No classification provided (evidence only). Condition: Cervical cancer. Review status: no classification provided. Collection method: in vitro. Allele origin: not applicable. Functional consequence: skipped exon, retained intron. Not counted in ClinVar's aggregate classification.

University of Washington Center for Mendelian Genomics, University of Washington
Classification: Likely pathogenic for Wiedemann-Rautenstrauch-like progeroid syndrome. Review status: no assertion criteria provided. Collection method: research. Allele origin: inherited. Affected: yes. Not counted in ClinVar's aggregate classification.

Literature cited by the submitters: PubMed 16199547 (cited by Labcorp Genetics (formerly Invitae), Labcorp); PubMed 19648921 (cited by Labcorp Genetics (formerly Invitae), Labcorp); PubMed 32860008 (cited by CENTOGENE GmbH and LLC - Guiding Precision Medicine); PubMed 30450527 (cited by University of Washington Center for Mendelian Genomics, University of Washington).